The following is an entry in ClinVar:

NM_198569.3(ADGRG6):c.2799_2804del (p.932AV[1])

Gene: ADGRG6 (adhesion G protein-coupled receptor G6; plus strand). Cytogenetic location: 6q24.2.
Variant type: Deletion.
Coding change: c.2799_2804del on transcript NM_198569.3 (MANE Select); coding-DNA positions 2799 to 2804, 6 bases deleted (TGCAGT; older notation c.2799_2804delTGCAGT).
Protein change: p.932AV[1].
Molecular consequence: inframe deletion.
Genome position (GRCh38, 1-based): chr6:142,415,925-142,415,930, TGCAGT deleted; deleting any 6 consecutive bases within chr6:142,415,923-142,415,930 gives the same sequence; the c. name uses the placement nearest the transcript's 3' end. VCF-style (leftmost placement, unchanged base first): chr6-142415922-TGTTGCA-T. GRCh37 (hg19) VCF-style: chr6-142737059-TGTTGCA-T.
Other names: c.2715_2720del, p.904AV[1] (NM_001032394.3, NM_001032395.3); c.2799_2804del, p.932AV[1] (NM_020455.6).
Identifiers: ClinVar variation 1307917 (VCV001307917.3), dbSNP rs972261994, ClinGen allele CA149020103.

ClinVar aggregate classification (germline): Uncertain significance (1 of 4 stars; one submission).

Submission:

GeneDx
Classification: Uncertain significance. Last evaluated: 2023-10-25. Review status: criteria provided, single submitter. Criteria: GeneDx Variant Classification Process June 2021. Collection method: clinical testing. Allele origin: germline. Affected: yes.
Comment: In-frame deletion of 2 amino acids in a non-repeat region; In silico analysis supports a deleterious effect on protein structure/function; Has not been previously published as pathogenic or benign to our knowledge